The following is an entry in ClinVar:

NM_000138.5(FBN1):c.6073G>T (p.Ala2025Ser)

Gene: FBN1 (fibrillin 1; minus strand). Cytogenetic location: 15q21.1.
Variant type: single nucleotide variant.
Coding change: c.6073G>T on transcript NM_000138.5 (MANE Select); coding-DNA position 6073, G replaced by T.
Protein change: p.Ala2025Ser; replaces alanine 2025 with serine.
Molecular consequence: missense variant.
Genome position (GRCh38, 1-based): chr15:48,441,811, C>A on the plus strand (G>T on the coding strand, the complement: FBN1 is on the minus strand). VCF-style: chr15-48441811-C-A. GRCh37 (hg19) VCF-style: chr15-48734008-C-A.
Other names: p.A2025S:GCC>TCC; short protein forms A2025S.
Identifiers: ClinVar variation 36097 (VCV000036097.32), dbSNP rs113577372, ClinGen allele CA016230.

ClinVar aggregate classification (germline): Benign/Likely benign. Review status: criteria provided, multiple submitters, no conflicts (2 of 4 stars). 11 submissions from 11 submitters: Benign (6); Likely benign (2). 3 of the submissions do not count toward it. Last evaluated 2026-01-16.

Conditions:
Familial thoracic aortic aneurysm and aortic dissection (TAAD). Also called: Thoracic aortic aneurysms and dissections. Identifiers: Orphanet 91387, MedGen C4707243, MONDO:0019625.
Marfan syndrome (MFS). Also called: FBN1-Related Marfan Syndrome; Marfan syndrome type 1; Marfan's syndrome; Marfan syndrome, classic; MARFAN SYNDROME, TYPE I. Identifiers: Orphanet 284963, Orphanet 558, MedGen C0024796, MONDO:0007947, OMIM 154700.
FBN1-related disorder. Also called: FBN1-related disorders.

Allele frequency attached by ClinVar (database versions not stated): gnomAD exomes 0.00009 and 0.00032; gnomAD 0.00106 and 0.00115; ESP Exome Variant Server 0.00162; ExAC 0.00046; TOPMed 0.00109; 1000 Genomes Project 0.00200; 1000 Genomes Project 30x 0.00203.
gnomAD v4.1: 295 of 1,613,636 alleles (0.018%); highest among the groups gnomAD compares: African/African-American, 0.38%; no homozygotes.

Submissions (11):

Labcorp Genetics (formerly Invitae), Labcorp
Classification: Benign for Marfan syndrome; Familial thoracic aortic aneurysm and aortic dissection. Last evaluated: 2026-01-16. Review status: criteria provided, single submitter. Criteria: Invitae Variant Classification Sherloc (09022015). Collection method: clinical testing. Allele origin: germline.

Blueprint Genetics
Classification: Likely benign. Last evaluated: 2024-11-25. Review status: criteria provided, single submitter. Criteria: ACMG Guidelines, 2015. Collection method: clinical testing. Allele origin: germline.

CHEO Genetics Diagnostic Laboratory, Children's Hospital of Eastern Ontario
Classification: Benign for Familial thoracic aortic aneurysm and aortic dissection. Last evaluated: 2023-04-19. Review status: criteria provided, single submitter. Criteria: ACMG Guidelines, 2015. Collection method: clinical testing. Allele origin: germline. Study: Canadian Open Genetics Repository.

ARUP Laboratories, Molecular Genetics and Genomics, ARUP Laboratories
Classification: Benign. Last evaluated: 2019-02-28. Review status: criteria provided, single submitter. Criteria: ARUP Molecular Germline Variant Investigation Process. Collection method: clinical testing. Allele origin: germline.

Color Diagnostics, LLC DBA Color Health
Classification: Likely benign for Familial thoracic aortic aneurysm and aortic dissection. Last evaluated: 2018-12-02. Review status: criteria provided, single submitter. Criteria: ACMG Guidelines, 2015. Collection method: clinical testing. Allele origin: germline.

Ambry Genetics
Classification: Benign for Familial thoracic aortic aneurysm and aortic dissection. Last evaluated: 2018-02-26. Review status: criteria provided, single submitter. Criteria: Ambry Variant Classification Scheme 2023. Collection method: clinical testing. Allele origin: germline.

Eurofins Ntd Llc (ga)
Classification: Benign. Last evaluated: 2016-09-02. Review status: criteria provided, single submitter. Criteria: EGL Classification Definitions 2015. Collection method: clinical testing. Allele origin: germline. Observed: 1 variant allele, 1 heterozygote.

GeneDx
Classification: Benign. Last evaluated: 2013-04-25. Review status: criteria provided, single submitter. Criteria: GeneDx Variant Classification (06012015). Collection method: clinical testing. Allele origin: germline. Affected: yes.
Comment: This variant is considered likely benign or benign based on one or more of the following criteria: it is a conservative change, it occurs at a poorly conserved position in the protein, it is predicted to be benign by multiple in silico algorithms, and/or has population frequency not consistent with disease.

PreventionGenetics, part of Exact Sciences
Classification: Benign for FBN1-related condition. Last evaluated: 2019-11-18. Review status: no assertion criteria provided. Collection method: clinical testing. Allele origin: germline. Not counted in ClinVar's aggregate classification.
Comment: This variant is classified as benign based on ACMG/AMP sequence variant interpretation guidelines (Richards et al. 2015 PMID: 25741868, with internal and published modifications).

Center for Medical Genetics Ghent, University of Ghent
Classification: Likely benign for Marfan syndrome. Last evaluated: 2017-11-07. Review status: no assertion criteria provided. Collection method: clinical testing. Allele origin: germline. Affected: yes. Not counted in ClinVar's aggregate classification.

Women's Health and Genetics/Laboratory Corporation of America, LabCorp
Classification: Benign for Marfan's syndrome. Last evaluated: 2015-03-30. Review status: no assertion criteria provided. Collection method: clinical testing. Allele origin: germline. Not counted in ClinVar's aggregate classification.